The following is an entry in ClinVar:

ClinVar aggregate classification (germline): Uncertain significance. Review status: criteria provided, multiple submitters, no conflicts (2 of 4 stars). 2 submissions from 2 submitters: Uncertain significance (2). Last evaluated 2026-01-26.

Conditions:
Inborn genetic diseases. Identifiers: MedGen C0950123, MeSH D030342.
Baller-Gerold syndrome (BGS). Also called: CRANIOSYNOSTOSIS WITH RADIAL DEFECTS. Identifiers: Orphanet 1225, MedGen C0265308, MONDO:0009039, OMIM 218600.

Allele frequency attached by ClinVar (database versions not stated): gnomAD exomes below 0.00001.
gnomAD v4.1: 4 of 1,606,588 alleles (0.00025%); highest among the groups gnomAD compares: Admixed American, 0.0017%; no homozygotes.

Submissions (2):

Labcorp Genetics (formerly Invitae), Labcorp
Classification: Uncertain significance for Baller-Gerold syndrome. Last evaluated: 2026-01-26. Review status: criteria provided, single submitter. Criteria: Invitae Variant Classification Sherloc (09022015). Collection method: clinical testing. Allele origin: germline.
Comment: This sequence change replaces leucine, which is neutral and non-polar, with phenylalanine, which is neutral and non-polar, at codon 628 of the RECQL4 protein (p.Leu628Phe). This variant is present in population databases (no rsID available, gnomAD 0.003%). This variant has not been reported in the literature in individuals affected with RECQL4-related conditions. ClinVar contains an entry for this variant (Variation ID: 1437844). Invitae Evidence Modeling of protein sequence and biophysical properties (such as structural, functional, and spatial information, amino acid conservation, physicochemical variation, residue mobility, and thermodynamic stability) indicates that this missense variant is expected to disrupt RECQL4 protein function with a positive predictive value of 80%. In summary, the available evidence is currently insufficient to determine the role of this variant in disease. Therefore, it has been classified as a Variant of Uncertain Significance.

Ambry Genetics
Classification: Uncertain significance for Inborn genetic diseases. Last evaluated: 2025-01-05. Review status: criteria provided, single submitter. Criteria: Ambry Variant Classification Scheme 2023. Collection method: clinical testing. Allele origin: germline.
Comment: The p.L628F variant (also known as c.1882C>T), located in coding exon 12 of the RECQL4 gene, results from a C to T substitution at nucleotide position 1882. The leucine at codon 628 is replaced by phenylalanine, an amino acid with highly similar properties. This amino acid position is conserved. In addition, the in silico prediction for this alteration is inconclusive. Based on the available evidence, the clinical significance of this variant remains unclear.

NM_004260.4(RECQL4):c.1882C>T (p.Leu628Phe)

Gene: RECQL4 (RecQ like helicase 4; minus strand). Cytogenetic location: 8q24.3.
Variant type: single nucleotide variant.
Coding change: c.1882C>T on transcript NM_004260.4 (MANE Select); coding-DNA position 1882, C replaced by T.
Protein change: p.Leu628Phe; replaces leucine 628 with phenylalanine.
Molecular consequence: missense variant.
Genome position (GRCh38, 1-based): chr8:144,514,104, G>A on the plus strand (C>T on the coding strand, the complement: RECQL4 is on the minus strand). VCF-style: chr8-144514104-G-A. GRCh37 (hg19) VCF-style: chr8-145739488-G-A.
Other names: c.1882C>T (NM_004260.3); short protein forms L628F.
Identifiers: ClinVar variation 1437844 (VCV001437844.7), dbSNP rs1336158277, ClinGen allele CA372680555.